The following is an entry in ClinVar:

NM_133642.5(LARGE1):c.1675A>G (p.Met559Val)

Gene: LARGE1 (LARGE xylosyl- and glucuronyltransferase 1; minus strand). Cytogenetic location: 22q12.3.
Variant type: single nucleotide variant.
Coding change: c.1675A>G on transcript NM_133642.5 (MANE Select); coding-DNA position 1675, A replaced by G.
Protein change: p.Met559Val; replaces methionine 559 with valine.
Molecular consequence: missense variant.
Genome position (GRCh38, 1-based): chr22:33,304,284, T>C on the plus strand (A>G on the coding strand, the complement: LARGE1 is on the minus strand). VCF-style: chr22-33304284-T-C. GRCh37 (hg19) VCF-style: chr22-33700270-T-C.
Other names: c.1675A>G, p.Met559Val (NM_001362949.2, NM_001362951.2, NM_001362953.2 and 6 more transcripts); c.1519A>G, p.Met507Val (NM_001378629.1); c.1072A>G, p.Met358Val (NM_001378630.1); c.916A>G, p.Met306Val (NM_001378631.1); short protein forms M559V, M306V, M358V, M507V.
Identifiers: ClinVar variation 658346 (VCV000658346.4), dbSNP rs191368661, ClinGen allele CA10202685.

ClinVar aggregate classification (germline): Uncertain significance (1 of 4 stars; one submission).

Conditions:
Muscular dystrophy-dystroglycanopathy type B6 (MDDGB6). Also called: MUSCULAR DYSTROPHY, CONGENITAL, LARGE-RELATED; MUSCULAR DYSTROPHY, CONGENITAL, TYPE 1D; MUSCULAR DYSTROPHY-DYSTROGLYCANOPATHY (CONGENITAL WITH IMPAIRED INTELLECTUAL DEVELOPMENT), TYPE B, 6. Identifiers: MedGen C1837229, MONDO:0012138, OMIM 608840.

Allele frequency attached by ClinVar (database versions not stated): TOPMed 0.00004; gnomAD exomes 0.00011 and 0.00021; 1000 Genomes Project 30x 0.00016; ExAC 0.00017; gnomAD 0.00018 and 0.00019; 1000 Genomes Project 0.00020.
gnomAD v4.1: 196 of 1,614,220 alleles (0.012%); highest among the groups gnomAD compares: Middle Eastern, 0.016%; no homozygotes.

Submission:

Labcorp Genetics (formerly Invitae), Labcorp
Classification: Uncertain significance for Muscular dystrophy-dystroglycanopathy type B6. Last evaluated: 2022-10-24. Review status: criteria provided, single submitter. Criteria: Invitae Variant Classification Sherloc (09022015). Collection method: clinical testing. Allele origin: germline.
Comment: This sequence change replaces methionine, which is neutral and non-polar, with valine, which is neutral and non-polar, at codon 559 of the LARGE1 protein (p.Met559Val). This variant is present in population databases (rs191368661, gnomAD 0.2%). This variant has not been reported in the literature in individuals affected with LARGE1-related conditions. ClinVar contains an entry for this variant (Variation ID: 658346). Advanced modeling of protein sequence and biophysical properties (such as structural, functional, and spatial information, amino acid conservation, physicochemical variation, residue mobility, and thermodynamic stability) performed at Invitae indicates that this missense variant is not expected to disrupt LARGE1 protein function. In summary, the available evidence is currently insufficient to determine the role of this variant in disease. Therefore, it has been classified as a Variant of Uncertain Significance.